The following is an entry in ClinVar:

NM_000053.4(ATP7B):c.3044T>C (p.Leu1015Pro)

Gene: ATP7B (ATPase copper transporting beta; minus strand). Cytogenetic location: 13q14.3.
Variant type: single nucleotide variant.
Coding change: c.3044T>C on transcript NM_000053.4 (MANE Select); coding-DNA position 3044, T replaced by C.
Protein change: p.Leu1015Pro; replaces leucine 1015 with proline.
Molecular consequence: missense variant. On other transcripts: intron variant (6).
Genome position (GRCh38, 1-based): chr13:51,946,300, A>G on the plus strand (T>C on the coding strand, the complement: ATP7B is on the minus strand). VCF-style: chr13-51946300-A-G. GRCh37 (hg19) VCF-style: chr13-52520436-A-G.
Other names: c.2990T>C, p.Leu997Pro (NM_001406516.1, NM_001406515.1); c.2948T>C, p.Leu983Pro (NM_001406517.1, NM_001406518.1); c.2909T>C, p.Leu970Pro (NM_001406519.1); c.2900T>C, p.Leu967Pro (NM_001406520.1, NM_001406521.1, NM_001406522.1); c.3044T>C, p.Leu1015Pro (NM_001406523.1, NM_001406511.1, NM_001406512.1 and 2 more transcripts); c.2867T>C, p.Leu956Pro (NM_001406524.1); c.2558T>C, p.Leu853Pro (NM_001406541.1, NM_001406542.1); c.2696T>C, p.Leu899Pro (NM_001406543.1); and 18 more; short protein forms L1004P, L1015P, L585P, L799P, L808P, L821P, L853P, L872P.
Identifiers: ClinVar variation 2679804 (VCV002679804.2), dbSNP rs1334355798, ClinGen allele CA388031811.

ClinVar aggregate classification (germline): Conflicting classifications of pathogenicity. Review status: criteria provided, conflicting classifications (1 of 4 stars). 2 submissions from 2 submitters: Likely pathogenic (1); Uncertain significance (1). Last evaluated 2024-01-01.

Conditions:
Wilson disease (WND). Also called: Wilson's disease. Identifiers: Orphanet 905, MedGen C0019202, MONDO:0010200, OMIM 277900. Disease mechanism: loss of function.

Submissions (2):

Chongqing Key Laboratory of Child Rare Diseases in Infection and Immunity, Children’s Hospital of Chongqing Medical University
Classification: Uncertain significance for Wilson disease. Last evaluated: 2024-01-01. Review status: criteria provided, single submitter. Criteria: ACMG Guidelines, 2015. Collection method: clinical testing. Allele origin: germline. Inheritance: Autosomal recessive inheritance. Affected: yes.
Comment: Classified as Uncertain significance according to the ACMG/AMP 2015 guidelines (PMID:25741868). The classification was based on the available submitted evidence for Wilson disease (OMIM:277900), including clinical-testing observations, variant consequence/protein annotation, and published or ClinVar evidence where available. Supporting information considered: variant annotation: p.Leu1015Pro; Missense; Protein domain: P-domain-enriched; submitted notation: NM_000053.4:c.3044T>C (p.Leu1015Pro); source variant type: Missense; source domain: P-domain-enriched; allele count n=230: 1.

Baylor Genetics
Classification: Likely pathogenic for Wilson disease. Last evaluated: 2023-05-21. Review status: criteria provided, single submitter. Criteria: ACMG Guidelines, 2015. Collection method: clinical testing. Allele origin: unknown.